The following is an entry in ClinVar:

NM_000179.3(MSH6):c.2069A>G (p.Tyr690Cys)

Gene: MSH6 (mutS homolog 6; plus strand). Cytogenetic location: 2p16.3.
Variant type: single nucleotide variant.
Coding change: c.2069A>G on transcript NM_000179.3 (MANE Select); coding-DNA position 2069, A replaced by G.
Protein change: p.Tyr690Cys; replaces tyrosine 690 with cysteine.
Molecular consequence: missense variant.
Genome position (GRCh38, 1-based): chr2:47,800,052, A>G. VCF-style: chr2-47800052-A-G. GRCh37 (hg19) VCF-style: chr2-48027191-A-G.
Other names: c.1679A>G, p.Tyr560Cys (NM_001281492.2); c.1163A>G, p.Tyr388Cys (NM_001281493.2, NM_001281494.2); short protein forms Y388C, Y560C, Y690C.
Identifiers: ClinVar variation 1319500 (VCV001319500.8), dbSNP rs730881794, ClinGen allele CA346750795.
Genomic context (GRCh38, chr2:47,800,052, plus strand): 5'-GGTTGACACCAGGAGAGAAAAGTGAATTGGCCCTCTCTGCTCTAGGTGGTTGTGTCTTCT[A>G]CCTCAAAAAATGCCTTATTGATCAGGAGCTTTTATCAATGGCTAATTTTGAAGAATATAT-3'
Protein context (NP_000170.1, residues 680-700): ALSALGGCVF[Tyr690Cys]LKKCLIDQEL

ClinVar aggregate classification (germline): Uncertain significance. Review status: criteria provided, multiple submitters, no conflicts (2 of 4 stars). 3 submissions from 3 submitters: Uncertain significance (3). Last evaluated 2026-08-17.

Conditions:
Hereditary nonpolyposis colorectal neoplasms. Identifiers: MedGen C0009405, MeSH D003123.
Hereditary cancer-predisposing syndrome. Also called: Hereditary Cancer Syndrome; Neoplastic Syndromes, Hereditary; Hereditary neoplastic syndrome; Tumor predisposition. Identifiers: Orphanet 140162, MedGen C0027672, MeSH D009386, MONDO:0015356.

Submissions (3):

Ambry Genetics
Classification: Uncertain significance for Hereditary cancer-predisposing syndrome. Last evaluated: 2026-08-17. Review status: criteria provided, single submitter. Criteria: Ambry Variant Classification Scheme 2023. Collection method: clinical testing. Allele origin: germline.
Comment: The p.Y690C variant (also known as c.2069A>G), located in coding exon 4 of the MSH6 gene, results from an A to G substitution at nucleotide position 2069. The tyrosine at codon 690 is replaced by cysteine, an amino acid with highly dissimilar properties. This amino acid position is conserved. In addition, this alteration is predicted to be deleterious by in silico analysis. Based on the available evidence, the clinical significance of this variant remains unclear.

Labcorp Genetics (formerly Invitae), Labcorp
Classification: Uncertain significance for Hereditary nonpolyposis colorectal neoplasms. Last evaluated: 2026-01-11. Review status: criteria provided, single submitter. Criteria: Invitae Variant Classification Sherloc (09022015). Collection method: clinical testing. Allele origin: germline.
Comment: This sequence change replaces tyrosine, which is neutral and polar, with cysteine, which is neutral and slightly polar, at codon 690 of the MSH6 protein (p.Tyr690Cys). This variant is not present in population databases (gnomAD no frequency). This variant has not been reported in the literature in individuals affected with MSH6-related conditions. ClinVar contains an entry for this variant (Variation ID: 1319500). Invitae Evidence Modeling of protein sequence and biophysical properties (such as structural, functional, and spatial information, amino acid conservation, physicochemical variation, residue mobility, and thermodynamic stability) indicates that this missense variant is expected to disrupt MSH6 protein function with a positive predictive value of 95%. In summary, the available evidence is currently insufficient to determine the role of this variant in disease. Therefore, it has been classified as a Variant of Uncertain Significance.

Institute for Clinical Genetics, University Hospital TU Dresden, University Hospital TU Dresden
Classification: Uncertain significance. Last evaluated: 2021-11-03. Review status: criteria provided, single submitter. Criteria: ACMG Guidelines, 2015. Collection method: clinical testing. Allele origin: germline.